The following is an entry in ClinVar:

NM_004153.4(ORC1):c.934C>T (p.Pro312Ser)

Gene: ORC1 (origin recognition complex subunit 1; minus strand). Cytogenetic location: 1p32.3.
Variant type: single nucleotide variant.
Coding change: c.934C>T on transcript NM_004153.4 (MANE Select); coding-DNA position 934, C replaced by T.
Protein change: p.Pro312Ser; replaces proline 312 with serine.
Molecular consequence: missense variant.
Genome position (GRCh38, 1-based): chr1:52,393,591, G>A on the plus strand (C>T on the coding strand, the complement: ORC1 is on the minus strand). VCF-style: chr1-52393591-G-A. GRCh37 (hg19) VCF-style: chr1-52859263-G-A.
Other names: c.934C>T, p.Pro312Ser (NM_001190818.2, NM_001190819.2); short protein forms P312S.
Identifiers: ClinVar variation 1034053 (VCV001034053.1), dbSNP rs772037188, ClinGen allele CA853483.

ClinVar aggregate classification (germline): Uncertain significance (1 of 4 stars; one submission).

Conditions:
Meier-Gorlin syndrome 1 (MGORS1). Also called: EAR, PATELLA, SHORT STATURE SYNDROME. Identifiers: Orphanet 2554, MedGen C4552001, MONDO:0009143, OMIM 224690.

Allele frequency attached by ClinVar (database versions not stated): gnomAD 0.00001; ExAC 0.00002; gnomAD exomes 0.00002; TOPMed 0.00002.
gnomAD v4.1: 34 of 1,614,054 alleles (0.0021%); highest among the groups gnomAD compares: Middle Eastern, 0.016%; no homozygotes.

Submission:

Baylor Genetics
Classification: Uncertain significance for Meier-Gorlin syndrome 1. Last evaluated: 2018-12-12. Review status: criteria provided, single submitter. Criteria: ACMG Guidelines, 2015. Collection method: clinical testing. Allele origin: paternal. Affected: yes.
Comment: This variant was determined to be of uncertain significance according to ACMG Guidelines, 2015 [PMID:25741868].